The following is an entry in ClinVar:

ClinVar aggregate classification (germline): Conflicting classifications of pathogenicity. Review status: criteria provided, conflicting classifications (1 of 4 stars). 2 submissions from 2 submitters: Uncertain significance (1); Likely benign (1). Last evaluated 2025-01-13.

Allele frequency attached by ClinVar (database versions not stated): gnomAD 0.00001; gnomAD exomes 0.00001; ExAC 0.00003; TOPMed 0.00003.
gnomAD v4.1: 13 of 1,509,110 alleles (0.00086%); highest among the groups gnomAD compares: Non-Finnish European, 0.0011%; no homozygotes.

Submissions (3):

Labcorp Genetics (formerly Invitae), Labcorp
Classification: Likely benign. Last evaluated: 2025-01-13. Review status: criteria provided, single submitter. Criteria: Invitae Variant Classification Sherloc (09022015). Collection method: clinical testing. Allele origin: germline.

GeneDx
Classification: Uncertain significance. Last evaluated: 2022-10-12. Review status: criteria provided, single submitter. Criteria: GeneDx Variant Classification Process June 2021. Collection method: clinical testing. Allele origin: germline. Affected: yes.
Comment: Has not been previously published as pathogenic or benign to our knowledge; In silico analysis suggests this variant may impact gene splicing. In the absence of RNA/functional studies, the actual effect of this sequence change is unknown.

Dr. Peter K. Rogan Lab, Western University
No classification provided (evidence only). Condition: Gastric cancer. Review status: no classification provided. Collection method: in vitro. Allele origin: not applicable. Functional consequence: retained intron. Not counted in ClinVar's aggregate classification.

NM_001330311.2(DVL1):c.1716G>C (p.Gly572=)

Gene: DVL1 (dishevelled segment polarity protein 1; minus strand). Cytogenetic location: 1p36.33.
Variant type: single nucleotide variant.
Coding change: c.1716G>C on transcript NM_001330311.2 (MANE Select); coding-DNA position 1716, G replaced by C.
Protein change: p.Gly572=; no amino-acid change (glycine 572 retained).
Molecular consequence: synonymous variant.
Genome position (GRCh38, 1-based): chr1:1,336,514, C>G on the plus strand (G>C on the coding strand, the complement: DVL1 is on the minus strand). VCF-style: chr1-1336514-C-G. GRCh37 (hg19) VCF-style: chr1-1271894-C-G.
Other names: c.1641G>C, p.Gly547= (NM_004421.3); c.1641G>C (NM_004421.2).
Identifiers: ClinVar variation 1627327 (VCV001627327.9), dbSNP rs773112898, ClinGen allele CA519857.